The following is an entry in ClinVar:

NM_005529.7(HSPG2):c.8374G>A (p.Val2792Met)

Gene: HSPG2 (heparan sulfate proteoglycan 2; minus strand). Cytogenetic location: 1p36.12.
Variant type: single nucleotide variant.
Coding change: c.8374G>A on transcript NM_005529.7 (MANE Select); coding-DNA position 8374, G replaced by A.
Protein change: p.Val2792Met; replaces valine 2792 with methionine.
Molecular consequence: missense variant.
Genome position (GRCh38, 1-based): chr1:21,846,198, C>T on the plus strand (G>A on the coding strand, the complement: HSPG2 is on the minus strand). VCF-style: chr1-21846198-C-T. GRCh37 (hg19) VCF-style: chr1-22172691-C-T.
Other names: c.8377G>A, p.Val2793Met (NM_001291860.2); short protein forms V2792M, V2793M.
Identifiers: ClinVar variation 295775 (VCV000295775.9), dbSNP rs377625016, ClinGen allele CA670798.

ClinVar aggregate classification (germline): Conflicting classifications of pathogenicity. Review status: criteria provided, conflicting classifications (1 of 4 stars). 5 submissions from 4 submitters: Uncertain significance (4); Likely benign (1). Last evaluated 2024-11-08.

Conditions:
Inborn genetic diseases. Identifiers: MedGen C0950123, MeSH D030342.
Schwartz-Jampel syndrome. Also called: Myotonic myopathy dwarfism chondrodystrophy and ocular and facial abnormalities. Identifiers: Orphanet 800, MedGen C0036391, MONDO:0009717.
Lethal Kniest-like syndrome (DDSH). Also called: Dyssegmental Dysplasia. Identifiers: Orphanet 1865, MedGen C1857100, MONDO:0009140, OMIM 224410.

Allele frequency attached by ClinVar (database versions not stated): ExAC 0.00008; TOPMed 0.00011; gnomAD exomes 0.00012; gnomAD 0.00013; ESP Exome Variant Server 0.00015.
gnomAD v4.1: 157 of 1,613,104 alleles (0.0097%); highest among the groups gnomAD compares: East Asian, 0.036%; no homozygotes.

Submissions (5):

Blueprint Genetics
Classification: Likely benign. Last evaluated: 2024-11-08. Review status: criteria provided, single submitter. Criteria: ACMG Guidelines, 2015. Collection method: clinical testing. Allele origin: germline.

Ambry Genetics
Classification: Uncertain significance for Inborn genetic diseases. Last evaluated: 2023-06-02. Review status: criteria provided, single submitter. Criteria: Ambry Variant Classification Scheme 2023. Collection method: clinical testing. Allele origin: germline.

Labcorp Genetics (formerly Invitae), Labcorp
Classification: Uncertain significance. Last evaluated: 2022-06-22. Review status: criteria provided, single submitter. Criteria: Invitae Variant Classification Sherloc (09022015). Collection method: clinical testing. Allele origin: germline.
Comment: This sequence change replaces valine, which is neutral and non-polar, with methionine, which is neutral and non-polar, at codon 2792 of the HSPG2 protein (p.Val2792Met). This variant is present in population databases (rs377625016, gnomAD 0.06%). This variant has not been reported in the literature in individuals affected with HSPG2-related conditions. ClinVar contains an entry for this variant (Variation ID: 295775). Algorithms developed to predict the effect of missense changes on protein structure and function output the following: SIFT: "Tolerated"; PolyPhen-2: "Benign"; Align-GVGD: "Class C0". The methionine amino acid residue is found in multiple mammalian species, which suggests that this missense change does not adversely affect protein function. In summary, the available evidence is currently insufficient to determine the role of this variant in disease. Therefore, it has been classified as a Variant of Uncertain Significance.

Illumina Laboratory Services, Illumina
Classification: Uncertain significance for Schwartz-Jampel syndrome type 1. Last evaluated: 2018-01-13. Review status: criteria provided, single submitter. Criteria: ICSL Variant Classification Criteria 13 December 2019. Collection method: clinical testing. Allele origin: germline.

Illumina Laboratory Services, Illumina
Classification: Uncertain significance for Lethal Kniest-like syndrome. Last evaluated: 2018-01-13. Review status: criteria provided, single submitter. Criteria: ICSL Variant Classification Criteria 13 December 2019. Collection method: clinical testing. Allele origin: germline.